The following is an entry in ClinVar:

NM_000426.4(LAMA2):c.602C>A (p.Ser201Ter)

Gene: LAMA2 (laminin subunit alpha 2; plus strand). Cytogenetic location: 6q22.33.
Variant type: single nucleotide variant.
Coding change: c.602C>A on transcript NM_000426.4 (MANE Select); coding-DNA position 602, C replaced by A.
Protein change: p.Ser201Ter; replaces serine 201 with a stop codon.
Molecular consequence: nonsense.
Genome position (GRCh38, 1-based): chr6:129,098,378, C>A. VCF-style: chr6-129098378-C-A. GRCh37 (hg19) VCF-style: chr6-129419523-C-A.
Other names: c.602C>A, p.Ser201Ter (NM_001079823.2); short protein forms S201*.
Identifiers: ClinVar variation 983903 (VCV000983903.4), dbSNP rs1775313883, ClinGen allele CA365829473.

ClinVar aggregate classification (germline): Likely pathogenic (1 of 4 stars; one submission).

Conditions:
LAMA2-related muscular dystrophy (LAMA2-RD). Also called: Laminin alpha 2-related dystrophy. Identifiers: MedGen C5679788, MONDO:0100228.

Submission:

Myriad Genetics, Inc.
Classification: Likely pathogenic for LAMA2-related muscular dystrophy. Last evaluated: 2019-09-30. Review status: criteria provided, single submitter. Criteria: Myriad Autosomal Dominant, Autosomal Recessive and X-Linked Classification Criteria (2023). Collection method: clinical testing. Allele origin: unknown.
Comment: NM_000426.3(LAMA2):c.602C>A(S201*) is expected to be pathogenic in the context of LAMA2-related muscular dystrophy. This variant is predicted to lead to an abnormal or absent protein product due to the creation of a premature termination codon in LAMA2, a gene where loss-of-function variants are known to be pathogenic. Please note: this variant was assessed in the context of healthy population screening.